The following is an entry in ClinVar:

NM_001377265.1(MAPT):c.1218T>G (p.Pro406=)

Gene: MAPT (microtubule associated protein tau). Cytogenetic location: 17q21.31.
Variant type: single nucleotide variant.
Coding change: c.1218T>G on transcript NM_001377265.1 (MANE Select); coding-DNA position 1218, T replaced by G.
Protein change: p.Pro406=; no amino-acid change (proline 406 retained).
Molecular consequence: synonymous variant. On other transcripts: intron variant (8).
Genome position (GRCh38, 1-based): chr17:45,983,797, T>G. VCF-style: chr17-45983797-T-G. GRCh37 (hg19) VCF-style: chr17-44061163-T-G.
Other names: c.993T>G, p.Pro331= (NM_001123066.4, NM_016835.5); c.1218T>G, p.Pro406= (NM_001377266.1); c.200-3243T>G (NM_001377268.1, NM_016834.5, NM_016841.5); c.374-3243T>G (NM_005910.6, NM_001203252.2); c.287-3243T>G (NM_001123067.4, NM_001203251.2, NM_001377267.1).
Identifiers: ClinVar variation 2582957 (VCV002582957.25), dbSNP rs2509795323, ClinGen allele CA500643864.

ClinVar aggregate classification (germline): Likely benign (1 of 4 stars; one submission).

Submission:

CeGaT Center for Human Genetics Tuebingen
Classification: Likely benign. Last evaluated: 2023-10-01. Review status: criteria provided, single submitter. Criteria: CeGaT Center For Human Genetics Tuebingen Variant Classification Criteria Version 2. Collection method: clinical testing. Allele origin: germline. Affected: yes. Observed: 2 variant alleles.
Comment: MAPT: PM2:Supporting, BP4, BP7